The following is an entry in ClinVar:

ClinVar aggregate classification (germline): Uncertain significance. Review status: criteria provided, multiple submitters, no conflicts (2 of 4 stars). 2 submissions from 2 submitters: Uncertain significance (2). Last evaluated 2023-08-21.

Submissions (2):

GeneDx
Classification: Uncertain significance. Last evaluated: 2023-08-21. Review status: criteria provided, single submitter. Criteria: GeneDx Variant Classification Process June 2021. Collection method: clinical testing. Allele origin: germline. Affected: yes.
Comment: Not observed at significant frequency in large population cohorts (gnomAD); Missense variant in a gene in which most reported pathogenic variants are truncating/loss of function; Has not been previously published as pathogenic or benign to our knowledge

Eurofins Ntd Llc (ga)
Classification: Uncertain significance. Last evaluated: 2018-07-03. Review status: criteria provided, single submitter. Criteria: EGL ClinVar v180209 classification definitions. Collection method: clinical testing. Allele origin: germline. Observed: 1 variant allele, 1 heterozygote.

NM_001267550.2(TTN):c.7144G>A (p.Glu2382Lys)

Genes: TTN (titin; minus strand), LOC126806433 (BRD4-independent group 4 enhancer GRCh37_chr2:179638309-179639508; plus strand). Cytogenetic location: 2q31.2.
Variant type: single nucleotide variant.
Coding change: c.7144G>A on transcript NM_001267550.2 (MANE Select); coding-DNA position 7144, G replaced by A.
Protein change: p.Glu2382Lys; replaces glutamic acid 2382 with lysine.
Molecular consequence: missense variant.
Genome position (GRCh38, 1-based): chr2:178,774,024, C>T on the plus strand (G>A on the coding strand, the complement: TTN is on the minus strand). VCF-style: chr2-178774024-C-T. GRCh37 (hg19) VCF-style: chr2-179638751-C-T.
Other names: c.7144G>A, p.Glu2382Lys (NM_001256850.1, NM_133378.4, NM_133379.5); c.7006G>A, p.Glu2336Lys (NM_003319.4, NM_133432.3, NM_133437.4); c.7144G>A (NM_001267550.1); short protein forms E2382K, E2336K.
Identifiers: ClinVar variation 597840 (VCV000597840.6), dbSNP rs1561260919, ClinGen allele CA349680923.
Genomic context (GRCh38, chr2:178,774,024, plus strand): 5'-GAACCCTGTCACTGGGCTGCACTTCTTGGCCGTCTTTCATCCAGACGCCTTCCACACTTT[C>T]CAAGGAGACTTTAACTTCAAGCTGAACAATGTCACCCTCACAGACTTTTTGGTCACTAAG-3'
Protein context (NP_001254479.2, residues 2372-2392): IVQLEVKVSL[Glu2382Lys]SVEGVWMKDG